The following is an entry in ClinVar:

NM_001122764.3(PPOX):c.29G>A (p.Gly10Glu)

Gene: PPOX (protoporphyrinogen oxidase; plus strand). Cytogenetic location: 1q23.3.
Variant type: single nucleotide variant.
Coding change: c.29G>A on transcript NM_001122764.3 (MANE Select); coding-DNA position 29, G replaced by A.
Protein change: p.Gly10Glu; replaces glycine 10 with glutamic acid.
Molecular consequence: missense variant. On other transcripts: 5 prime UTR variant (5).
Genome position (GRCh38, 1-based): chr1:161,166,876, G>A. VCF-style: chr1-161166876-G-A. GRCh37 (hg19) VCF-style: chr1-161136666-G-A.
Other names: c.29G>A, p.Gly10Glu (NM_000309.5, NM_001350128.2, NM_001365398.1 and 1 more transcripts); c.-399G>A (NM_001350129.2); c.-490G>A (NM_001350130.2); c.-376G>A (NM_001350131.2); c.-283G>A (NM_001365400.1); c.-342G>A (NM_001365401.1); short protein forms G10E.
Identifiers: ClinVar variation 855621 (VCV000855621.9), dbSNP rs1659114692, ClinGen allele CA343350411.
Genomic context (GRCh38, chr1:161,166,876, plus strand): 5'-TCCATATCGCCCCCTTTCCCCCAGGTTTCCGCATGGGCCGGACCGTGGTCGTGCTGGGCG[G>A]AGGCATCAGCGGCTTGGCCGCCAGTTACCACCTGAGCCGGGCCCCCTGCCCCCCTAAGGT-3'
Protein context (NP_001116236.1, residues 1-20): MGRTVVVLG[Gly10Glu]GISGLAASYH

ClinVar aggregate classification (germline): Likely pathogenic (1 of 4 stars; one submission).

Submission:

Labcorp Genetics (formerly Invitae), Labcorp
Classification: Likely pathogenic. Last evaluated: 2023-03-23. Review status: criteria provided, single submitter. Criteria: Invitae Variant Classification Sherloc (09022015). Collection method: clinical testing. Allele origin: germline.
Comment: In summary, the currently available evidence indicates that the variant is pathogenic, but additional data are needed to prove that conclusively. Therefore, this variant has been classified as Likely Pathogenic. Advanced modeling of protein sequence and biophysical properties (such as structural, functional, and spatial information, amino acid conservation, physicochemical variation, residue mobility, and thermodynamic stability) performed at Invitae indicates that this missense variant is expected to disrupt PPOX protein function. ClinVar contains an entry for this variant (Variation ID: 855621). This missense change has been observed in individuals with variegate porphyria (PMID: 30385147; Invitae). This variant is not present in population databases (gnomAD no frequency). This sequence change replaces glycine, which is neutral and non-polar, with glutamic acid, which is acidic and polar, at codon 10 of the PPOX protein (p.Gly10Glu).

Literature cited by the submitters: PubMed 30385147.